The following is an entry in ClinVar:

NM_001323289.2(CDKL5):c.424T>G (p.Leu142Val)

Gene: CDKL5 (cyclin dependent kinase like 5; plus strand). Cytogenetic location: Xp22.13.
Variant type: single nucleotide variant.
Coding change: c.424T>G on transcript NM_001323289.2 (MANE Select); coding-DNA position 424, T replaced by G.
Protein change: p.Leu142Val; replaces leucine 142 with valine.
Molecular consequence: missense variant.
Genome position (GRCh38, 1-based): chrX:18,581,911, T>G. VCF-style: chrX-18581911-T-G. GRCh37 (hg19) VCF-style: chrX-18600031-T-G.
Other names: c.424T>G, p.Leu142Val (NM_001037343.2, NM_003159.3); short protein forms L142V.
Identifiers: ClinVar variation 1037382 (VCV001037382.11), dbSNP rs1925493252, ClinGen allele CA412350829.

ClinVar aggregate classification (germline): Pathogenic (1 of 4 stars; one submission).

Conditions:
Angelman syndrome-like. Identifiers: MedGen CN128785.
Developmental and epileptic encephalopathy, 2 (DEE2). Also called: INFANTILE SPASM SYNDROME, X-LINKED 2; CDKL5 deficiency disorder. Identifiers: Orphanet 1934, Orphanet 3451, Orphanet 505652, MedGen C4750718, MONDO:0010396, OMIM 300672.

Submission:

Labcorp Genetics (formerly Invitae), Labcorp
Classification: Pathogenic for Developmental and epileptic encephalopathy, 2; Angelman syndrome-like. Last evaluated: 2024-05-22. Review status: criteria provided, single submitter. Criteria: Invitae Variant Classification Sherloc (09022015). Collection method: clinical testing. Allele origin: germline.
Comment: This sequence change replaces leucine, which is neutral and non-polar, with valine, which is neutral and non-polar, at codon 142 of the CDKL5 protein (p.Leu142Val). This variant is not present in population databases (gnomAD no frequency). This missense change has been observed in individual(s) with clinical features of CDKL5-related conditions (Invitae). In at least one individual the variant was observed to be de novo. ClinVar contains an entry for this variant (Variation ID: 1037382). Advanced modeling of protein sequence and biophysical properties (such as structural, functional, and spatial information, amino acid conservation, physicochemical variation, residue mobility, and thermodynamic stability) performed at Invitae indicates that this missense variant is expected to disrupt CDKL5 protein function with a positive predictive value of 95%. For these reasons, this variant has been classified as Pathogenic.